The following is an entry in ClinVar:

ClinVar aggregate classification (germline): Pathogenic. Review status: criteria provided, multiple submitters, no conflicts (2 of 4 stars). 8 submissions from 8 submitters: Pathogenic (8). Last evaluated 2026-01-24.

Conditions:
RP1-related disorder. Also called: RP1-related condition.
Retinitis pigmentosa 1 (RP1). Identifiers: Orphanet 791, MedGen C0220701, MONDO:0008377, OMIM 180100.
Retinal dystrophy. Also called: Inherited retinal dystrophy. Identifiers: Orphanet 71862, MedGen C0854723, MeSH D058499, MONDO:0019118, HP:0000556.

Submissions (8):

Dasa
Classification: Pathogenic. Last evaluated: 2026-01-24. Review status: criteria provided, single submitter. Criteria: DASA Assertion Criteria. Collection method: clinical testing. Allele origin: germline.
Comment: NM_006269.2(RP1):c.3157del (p.Tyr1053Thrfs*4) introduces a premature termination codon predicted to result in loss of normal protein function. Loss-of-function is an established mechanism of disease for this gene. This variant has been recurrently observed in affected individuals with related phenotype in a genotype context consistent with recessive disease (PMID: 10845615; PMID: 33576794; PMID: 19933189; PMID: 29425069; PMID: 30027431). The variant is present at low frequency in population datasets. Based on the available data, this variant is classified as pathogenic.

Labcorp Genetics (formerly Invitae), Labcorp
Classification: Pathogenic. Last evaluated: 2025-11-28. Review status: criteria provided, single submitter. Criteria: Invitae Variant Classification Sherloc (09022015). Collection method: clinical testing. Allele origin: germline.
Comment: This sequence change creates a premature translational stop signal (p.Tyr1053Thrfs*4) in the RP1 gene. While this is not anticipated to result in nonsense mediated decay, it is expected to disrupt the last 1104 amino acid(s) of the RP1 protein. This variant is present in population databases (rs748709396, gnomAD 0.002%). This premature translational stop signal has been observed in individual(s) with autosomal dominant and autosomal recessive retinitis pigmentosa (PMID: 10845615, 24265693, 28076437, 32565670, 33576794). In at least one individual the data is consistent with being in trans (on the opposite chromosome) from a pathogenic variant. This variant is also known as Tyr1053 (1-bp del); c.3155delT. ClinVar contains an entry for this variant (Variation ID: 987374). This variant disrupts the C-terminus of the RP1 protein. Many variants that disrupt this region have been reported in individuals with either autosomal dominant or autosomal recessive retinitis pigmentosa (PMID: 11527933, 19933189, 29425069, 30027431, 33681214). Therefore, variants that disrupt this region are expected to be disease-causing. For these reasons, this variant has been classified as Pathogenic.

CeGaT Center for Human Genetics Tuebingen
Classification: Pathogenic. Last evaluated: 2024-02-01. Review status: criteria provided, single submitter. Criteria: CeGaT Center For Human Genetics Tuebingen Variant Classification Criteria Version 2. Collection method: clinical testing. Allele origin: germline. Affected: yes. Observed: 1 variant allele.
Comment: RP1: PM3:Strong, PVS1:Strong, PM2, PP4

Institute of Human Genetics Munich, TUM University Hospital
Classification: Pathogenic for Retinitis pigmentosa 1. Last evaluated: 2023-05-03. Review status: criteria provided, single submitter. Criteria: Classification criteria August 2017. Collection method: clinical testing. Allele origin: germline. Inheritance: Autosomal dominant inheritance. Affected: yes. Observed: 1 variant allele.

Clinical Genetics Laboratory, Skane University Hospital Lund
Classification: Pathogenic. Last evaluated: 2022-05-27. Review status: criteria provided, single submitter. Criteria: ACMG Guidelines, 2015. Collection method: clinical testing. Allele origin: germline. Affected: yes.

Institute of Medical Genetics and Applied Genomics, University Hospital Tübingen
Classification: Pathogenic. Last evaluated: 2020-10-23. Review status: criteria provided, single submitter. Criteria: ACMG Guidelines, 2015. Collection method: clinical testing. Allele origin: germline. Inheritance: Autosomal unknown. Affected: yes.

Blueprint Genetics
Classification: Pathogenic for RP1-related disorders. Last evaluated: 2020-03-28. Review status: criteria provided, single submitter. Criteria: ACMG Guidelines, 2015. Collection method: clinical testing. Allele origin: germline. Affected: yes. Observed: 3 variant alleles.

Institute of Human Genetics, Univ. Regensburg, Univ. Regensburg
Classification: Pathogenic for Retinal dystrophy. Last evaluated: 2018-01-01. Review status: criteria provided, single submitter. Criteria: ACMG Guidelines, 2015. Collection method: clinical testing. Allele origin: germline. Affected: yes.

Literature cited by the submitters: PubMed 10845615 (cited by 3 submitters); PubMed 33576794 (cited by 3 submitters); PubMed 19933189 (cited by Dasa and Labcorp Genetics (formerly Invitae), Labcorp); PubMed 29425069 (cited by Dasa and Labcorp Genetics (formerly Invitae), Labcorp); PubMed 30027431 (cited by Dasa and Labcorp Genetics (formerly Invitae), Labcorp); PubMed 32565670 (cited by 3 submitters); PubMed 24265693 (cited by Labcorp Genetics (formerly Invitae), Labcorp and Institute of Human Genetics, Univ. Regensburg, Univ. Regensburg); PubMed 28076437 (cited by Labcorp Genetics (formerly Invitae), Labcorp); PubMed 11527933 (cited by Labcorp Genetics (formerly Invitae), Labcorp); PubMed 33681214 (cited by Labcorp Genetics (formerly Invitae), Labcorp); PubMed 34327195 (cited by Institute of Human Genetics, Univ. Regensburg, Univ. Regensburg); PubMed 36819107 (cited by Institute of Human Genetics, Univ. Regensburg, Univ. Regensburg).

NM_006269.2(RP1):c.3157del (p.Tyr1053fs)

Gene: RP1 (RP1 axonemal microtubule associated; plus strand). Cytogenetic location: 8q12.1.
Variant type: Deletion.
Coding change: c.3157del on transcript NM_006269.2 (MANE Select); coding-DNA position 3157, one base deleted (T; older notation c.3157delT).
Protein change: p.Tyr1053fs; shifts the reading frame from tyrosine 1053.
Molecular consequence: frameshift variant. On other transcripts: intron variant (1).
Genome position (GRCh38, 1-based): chr8:54,627,039, T deleted; the last of 3 consecutive T bases (chr8:54,627,037-54,627,039); deleting any one gives the same sequence. VCF-style (leftmost placement, unchanged base first): chr8-54627036-GT-G. GRCh37 (hg19) VCF-style: chr8-55539596-GT-G.
Other names: c.787+4751del (NM_001375654.1); short protein forms Y1053fs.
Identifiers: ClinVar variation 987374 (VCV000987374.33), dbSNP rs748709396, ClinGen allele CA4751649.